The following is an entry in ClinVar:

ClinVar aggregate classification (germline): Benign. Review status: criteria provided, multiple submitters, no conflicts (2 of 4 stars). 11 submissions from 11 submitters: Benign (8). 3 of the submissions do not count toward it. Last evaluated 2024-11-26.

Conditions:
Multiple sulfatase deficiency (MSD). Also called: Mucosulfatidosis; Multiple Sulfatase Deficiency Disease; Sulfatidosis, Juvenile, Austin Type. Identifiers: Orphanet 585, MedGen C0268263, MONDO:0010088, OMIM 272200.

Allele frequency attached by ClinVar (database versions not stated): ESP Exome Variant Server 0.37806; 1000 Genomes Project 30x 0.42270; gnomAD 0.42363 and 0.42905; TOPMed 0.42773; 1000 Genomes Project 0.43211; gnomAD exomes 0.49336 and 0.50295; ExAC 0.49359.
gnomAD v4.1: 784,959 of 1,611,632 alleles (49%); highest among the groups gnomAD compares: East Asian, 62%; 195,194 homozygotes.

Submissions (11):

Blueprint Genetics
Classification: Benign. Last evaluated: 2024-11-26. Review status: criteria provided, single submitter. Criteria: ACMG Guidelines, 2015. Collection method: clinical testing. Allele origin: germline.

Mayo Clinic Laboratories, Mayo Clinic
Classification: Benign. Last evaluated: 2022-05-05. Review status: criteria provided, single submitter. Criteria: ACMG Guidelines, 2015. Collection method: clinical testing. Allele origin: germline. Observed: 982 variant alleles.

Genome-Nilou Lab
Classification: Benign for Multiple sulfatase deficiency. Last evaluated: 2021-07-15. Review status: criteria provided, single submitter. Criteria: ACMG Guidelines, 2015. Collection method: clinical testing. Allele origin: germline. Affected: no.

Illumina Laboratory Services, Illumina
Classification: Benign for Multiple sulfatase deficiency. Last evaluated: 2018-01-13. Review status: criteria provided, single submitter. Criteria: ICSL Variant Classification Criteria 13 December 2019. Collection method: clinical testing. Allele origin: germline.
Comment: This variant was observed in the ICSL laboratory as part of a predisposition screen in an ostensibly healthy population. It had not been previously curated by ICSL or reported in the Human Gene Mutation Database (HGMD: prior to June 1st, 2018), and was therefore a candidate for classification through an automated scoring system. Utilizing variant allele frequency, disease prevalence and penetrance estimates, and inheritance mode, an automated score was calculated to assess if this variant is too frequent to cause the disease. Based on the score and internal cut-off values, a variant classified as benign is not then subjected to further curation. The score for this variant resulted in a classification of benign for this disease.

GeneDx
Classification: Benign. Last evaluated: 2015-03-03. Review status: criteria provided, single submitter. Criteria: GeneDx Variant Classification Process June 2021. Collection method: clinical testing. Allele origin: germline. Affected: yes.

Eurofins Ntd Llc (ga)
Classification: Benign. Last evaluated: 2013-04-26. Review status: criteria provided, single submitter. Criteria: EGL Classification Definitions 2015. Collection method: clinical testing. Allele origin: germline. Observed: 4 variant alleles, 3 heterozygotes, 1 homozygote.

Breakthrough Genomics
Classification: Benign. Review status: criteria provided, single submitter. Criteria: ACMG Guidelines, 2015. Collection method: not provided. Allele origin: germline. Inheritance: Autosomal recessive inheritance. Affected: yes.

PreventionGenetics, part of Exact Sciences
Classification: Benign. Review status: criteria provided, single submitter. Criteria: ACMG Guidelines, 2015. Collection method: clinical testing. Allele origin: germline.

Natera, Inc.
Classification: Benign for Multiple sulfatase deficiency. Last evaluated: 2019-11-18. Review status: no assertion criteria provided. Collection method: clinical testing. Allele origin: germline. Not counted in ClinVar's aggregate classification.

Diagnostic Laboratory, Department of Genetics, University Medical Center Groningen
Classification: Benign. Review status: no assertion criteria provided. Collection method: clinical testing. Allele origin: germline. Affected: yes. Study: VKGL Data-share Consensus. Not counted in ClinVar's aggregate classification.

Joint Genome Diagnostic Labs from Nijmegen and Maastricht, Radboudumc and MUMC+
Classification: Benign. Review status: no assertion criteria provided. Collection method: clinical testing. Allele origin: germline. Affected: yes. Study: VKGL Data-share Consensus. Not counted in ClinVar's aggregate classification.

NM_182760.4(SUMF1):c.*10A>G

Gene: SUMF1 (sulfatase modifying factor 1; minus strand). Cytogenetic location: 3p26.1.
Variant type: single nucleotide variant.
Coding change: c.*10A>G on transcript NM_182760.4 (MANE Select); 10 bases downstream of the stop codon, A replaced by G.
Molecular consequence: 3 prime UTR variant.
Genome position (GRCh38, 1-based): chr3:4,362,134, T>C on the plus strand (A>G on the coding strand, the complement: SUMF1 is on the minus strand). VCF-style: chr3-4362134-T-C. GRCh37 (hg19) VCF-style: chr3-4403818-T-C.
Other names: c.*10A>G (NM_001164674.2, NM_001164675.2).
Identifiers: ClinVar variation 96557 (VCV000096557.25), dbSNP rs35083095, ClinGen allele CA149613.